The following is an entry in ClinVar:

ClinVar aggregate classification (germline): Uncertain significance (1 of 4 stars; one submission).

Conditions:
Progressive myoclonic epilepsy type 8. Identifiers: Orphanet 424027, MedGen C5190825, MONDO:0014545, OMIM 616230.

Submission:

Labcorp Genetics (formerly Invitae), Labcorp
Classification: Uncertain significance for Progressive myoclonic epilepsy type 8. Last evaluated: 2025-01-06. Review status: criteria provided, single submitter. Criteria: Invitae Variant Classification Sherloc (09022015). Collection method: clinical testing. Allele origin: germline.
Comment: This sequence change replaces proline, which is neutral and non-polar, with leucine, which is neutral and non-polar, at codon 17 of the CERS1 protein (p.Pro17Leu). The frequency data for this variant in the population databases is considered unreliable, as metrics indicate insufficient coverage at this position in the gnomAD database. This variant has not been reported in the literature in individuals affected with CERS1-related conditions. ClinVar contains an entry for this variant (Variation ID: 962279). Experimental studies and prediction algorithms are not available or were not evaluated, and the functional significance of this variant is currently unknown. In summary, the available evidence is currently insufficient to determine the role of this variant in disease. Therefore, it has been classified as a Variant of Uncertain Significance.

NM_021267.5(CERS1):c.50C>T (p.Pro17Leu)

Genes: CERS1 (ceramide synthase 1; minus strand), GDF1 (growth differentiation factor 1; minus strand). Cytogenetic location: 19p13.11.
Variant type: single nucleotide variant.
Coding change: c.50C>T on transcript NM_021267.5 (MANE Select); coding-DNA position 50, C replaced by T.
Protein change: p.Pro17Leu; replaces proline 17 with leucine.
Molecular consequence: missense variant. On other transcripts: 5 prime UTR variant (4), intron variant (3).
Genome position (GRCh38, 1-based): chr19:18,896,023, G>A on the plus strand (C>T on the coding strand, the complement: CERS1 is on the minus strand). VCF-style: chr19-18896023-G-A. GRCh37 (hg19) VCF-style: chr19-19006832-G-A.
Other names: c.50C>T, p.Pro17Leu (NM_001387439.1, NM_001387440.1, NM_001387441.1 and 1 more transcripts); c.-479C>T (NM_001387444.1); c.-426C>T (NM_001387445.1); c.-853C>T (NM_001387438.1); c.-1273C>T (NM_001492.6); c.-46+703C>T (NM_001387443.1); c.-46+538C>T (NM_001387442.1, NM_001290265.2); short protein forms P17L.
Identifiers: ClinVar variation 962279 (VCV000962279.9), dbSNP rs2056618624, ClinGen allele CA404868827.